The following is an entry in ClinVar:

ClinVar aggregate classification (germline): Uncertain significance. Review status: criteria provided, multiple submitters, no conflicts (2 of 4 stars). 3 submissions from 3 submitters: Uncertain significance (3). Last evaluated 2025-08-27.

Conditions:
Peroxisome biogenesis disorder. Identifiers: Orphanet 79189, MedGen C1832200, MONDO:0019234. Disease mechanism: loss of function.
Inborn genetic diseases. Identifiers: MedGen C0950123, MeSH D030342.

Allele frequency attached by ClinVar (database versions not stated): gnomAD exomes below 0.00001 and 0.00002; TOPMed 0.00001.
gnomAD v4.1: 27 of 1,614,174 alleles (0.0017%); highest among the groups gnomAD compares: Non-Finnish European, 0.0022%; no homozygotes.

Submissions (3):

Ambry Genetics
Classification: Uncertain significance for Inborn genetic diseases. Last evaluated: 2025-08-27. Review status: criteria provided, single submitter. Criteria: Ambry Variant Classification Scheme 2023. Collection method: clinical testing. Allele origin: germline.

Blueprint Genetics
Classification: Uncertain significance. Last evaluated: 2023-09-12. Review status: criteria provided, single submitter. Criteria: ACMG Guidelines, 2015. Collection method: clinical testing. Allele origin: germline.

Labcorp Genetics (formerly Invitae), Labcorp
Classification: Uncertain significance for Peroxisome biogenesis disorder. Last evaluated: 2021-09-24. Review status: criteria provided, single submitter. Criteria: Invitae Variant Classification Sherloc (09022015). Collection method: clinical testing. Allele origin: germline.
Comment: This sequence change replaces leucine with methionine at codon 277 of the PEX6 protein (p.Leu277Met). The leucine residue is weakly conserved and there is a small physicochemical difference between leucine and methionine. This variant is not present in population databases (ExAC no frequency). This variant has not been reported in the literature in individuals with PEX6-related conditions. Algorithms developed to predict the effect of missense changes on protein structure and function are either unavailable or do not agree on the potential impact of this missense change (SIFT: "Tolerated"; PolyPhen-2: "Probably Damaging"; Align-GVGD: "Class C0"). In summary, the available evidence is currently insufficient to determine the role of this variant in disease. Therefore, it has been classified as a Variant of Uncertain Significance.

NM_000287.4(PEX6):c.829T>A (p.Leu277Met)

Gene: PEX6 (peroxisomal biogenesis factor 6; minus strand). Cytogenetic location: 6p21.1.
Variant type: single nucleotide variant.
Coding change: c.829T>A on transcript NM_000287.4 (MANE Select); coding-DNA position 829, T replaced by A.
Protein change: p.Leu277Met; replaces leucine 277 with methionine.
Molecular consequence: missense variant. On other transcripts: non-coding transcript variant (1), intron variant (1).
Genome position (GRCh38, 1-based): chr6:42,978,322, A>T on the plus strand (T>A on the coding strand, the complement: PEX6 is on the minus strand). VCF-style: chr6-42978322-A-T. GRCh37 (hg19) VCF-style: chr6-42946060-A-T.
Other names: c.829T>A (NM_000287.3); c.618+211T>A (NM_001316313.2); short protein forms L277M.
Identifiers: ClinVar variation 1497810 (VCV001497810.7), dbSNP rs1198487899, ClinGen allele CA364161639.
Genomic context (GRCh38, chr6:42,978,322, plus strand): 5'-ATCCTACCTGAATTCTGAGCTCTCCCATTTCCAGGGGGTCACAGCCAAGATTAAAAGCCA[A>T]AGTGGCAGGGACAAGCGCCAGTCCGTCAGCGAGGGGCTCTCCCAGCGGTCCAGAGCCGGG-3'
Protein context (NP_000278.3, residues 267-287): ADGLALVPAT[Leu277Met]AFNLGCDPLE